The following is an entry in ClinVar:

ClinVar aggregate classification (germline): Uncertain significance (1 of 4 stars; one submission).

Allele frequency attached by ClinVar (database versions not stated): TOPMed below 0.00001.

Submission:

Labcorp Genetics (formerly Invitae), Labcorp
Classification: Uncertain significance. Last evaluated: 2023-08-10. Review status: criteria provided, single submitter. Criteria: Invitae Variant Classification Sherloc (09022015). Collection method: clinical testing. Allele origin: germline.
Comment: This sequence change replaces glycine, which is neutral and non-polar, with serine, which is neutral and polar, at codon 25 of the COL2A1 protein (p.Gly25Ser). This variant is not present in population databases (gnomAD no frequency). This variant has not been reported in the literature in individuals affected with COL2A1-related conditions. ClinVar contains an entry for this variant (Variation ID: 1043292). Algorithms developed to predict the effect of missense changes on protein structure and function output the following: SIFT: "Not Available"; PolyPhen-2: "Not Available"; Align-GVGD: "Not Available". The serine amino acid residue is found in multiple mammalian species, which suggests that this missense change does not adversely affect protein function. In summary, the available evidence is currently insufficient to determine the role of this variant in disease. Therefore, it has been classified as a Variant of Uncertain Significance.

NM_001844.5(COL2A1):c.73G>A (p.Gly25Ser)

Gene: COL2A1 (collagen type II alpha 1 chain; minus strand). Cytogenetic location: 12q13.11.
Variant type: single nucleotide variant.
Coding change: c.73G>A on transcript NM_001844.5 (MANE Select); coding-DNA position 73, G replaced by A.
Protein change: p.Gly25Ser; replaces glycine 25 with serine.
Molecular consequence: missense variant.
Genome position (GRCh38, 1-based): chr12:48,004,249, C>T on the plus strand (G>A on the coding strand, the complement: COL2A1 is on the minus strand). VCF-style: chr12-48004249-C-T. GRCh37 (hg19) VCF-style: chr12-48398032-C-T.
Other names: c.73G>A, p.Gly25Ser (NM_033150.3); short protein forms G25S.
Identifiers: ClinVar variation 1043292 (VCV001043292.8), dbSNP rs1940369024, ClinGen allele CA384528187.